The following is an entry in ClinVar:

ClinVar aggregate classification (germline): Uncertain significance (1 of 4 stars; one submission).

Conditions:
Clark-Baraitser syndrome. Also called: MENTAL RETARDATION, AUTOSOMAL DOMINANT 49; BARAITSER SYNDROME; Mental retardation, tall stature, obesity, macrocephaly and typical facial features; Intellectual disability, autosomal dominant 49. Identifiers: Orphanet 600731, MedGen C2931130, MONDO:0030914, OMIM 617752.

gnomAD v4.1: 1 of 1,613,766 alleles (0.000062%); highest among the groups gnomAD compares: Non-Finnish European, 0.000085%; no homozygotes.

Submission:

UNC Molecular Genetics  Laboratory, University of North Carolina at Chapel Hill
Classification: Uncertain significance for Clark-Baraitser syndrome. Last evaluated: 2021-01-01. Review status: criteria provided, single submitter. Criteria: ACMG Guidelines, 2015. Collection method: research. Allele origin: paternal. Observed: 1 variant allele. Study: CSER_NCGENES.
Comment: The TRIP12 c.4847C>A (p.Thr1616Asn) missense variant results in a threonine to asparagine substitution in exon 33 of 42 of the encoded protein. To our knowledge, this variant has not been previously reported in affected individuals in the literature. This is a rare variant in the human population and is absent in the Genome Aggregation Database (gnomAD). Computational prediction tools and conservation analysis provide conflicting expectations regarding an impact to protein function. Given the available evidence, this variant is classified as a variant of uncertain significance.

NM_001348323.3(TRIP12):c.4928C>A (p.Thr1643Asn)

Gene: TRIP12 (thyroid hormone receptor interactor 12; minus strand). Cytogenetic location: 2q36.3.
Variant type: single nucleotide variant.
Coding change: c.4928C>A on transcript NM_001348323.3 (MANE Select); coding-DNA position 4928, C replaced by A.
Protein change: p.Thr1643Asn; replaces threonine 1643 with asparagine.
Molecular consequence: missense variant.
Genome position (GRCh38, 1-based): chr2:229,787,572, G>T on the plus strand (C>A on the coding strand, the complement: TRIP12 is on the minus strand). VCF-style: chr2-229787572-G-T. GRCh37 (hg19) VCF-style: chr2-230652288-G-T.
Other names: c.4847C>A, p.Thr1616Asn (NM_001284214.2, NM_001348315.2); c.4802C>A, p.Thr1601Asn (NM_001284215.2, NM_001348316.2); c.3893C>A, p.Thr1298Asn (NM_001284216.2); c.4787C>A, p.Thr1596Asn (NM_001348317.1, NM_001348318.2); c.4913C>A, p.Thr1638Asn (NM_001348319.1, NM_001348320.2); c.4916C>A, p.Thr1639Asn (NM_001348321.1); c.4928C>A, p.Thr1643Asn (NM_001348322.1, NM_001348324.2, NM_001348325.2 and 2 more transcripts); c.4931C>A, p.Thr1644Asn (NM_001348328.1, NM_001348329.2, NM_001348330.2); and 4 more; short protein forms T1298N, T1568N, T1569N, T1596N, T1601N, T1609N, T1616N, T1617N.
Identifiers: ClinVar variation 1064567 (VCV001064567.1), dbSNP rs2154255362, ClinGen allele CA350892546.